The following is an entry in ClinVar:

ClinVar aggregate classification (germline): Uncertain significance (1 of 4 stars; one submission).

Conditions:
Hereditary cancer-predisposing syndrome. Also called: Tumor predisposition; Neoplastic Syndromes, Hereditary; Hereditary neoplastic syndrome; Hereditary Cancer Syndrome. Identifiers: Orphanet 140162, MedGen C0027672, MeSH D009386, MONDO:0015356.

Submission:

Ambry Genetics
Classification: Uncertain significance for Hereditary cancer-predisposing syndrome. Last evaluated: 2025-08-14. Review status: criteria provided, single submitter. Criteria: Ambry Variant Classification Scheme 2023. Collection method: clinical testing. Allele origin: germline.
Comment: The p.P96A variant (also known as c.286C>G), located in coding exon 2 of the MSH3 gene, results from a C to G substitution at nucleotide position 286. The proline at codon 96 is replaced by alanine, an amino acid with highly similar properties. This amino acid position is conserved. In addition, the in silico prediction for this alteration is inconclusive. Based on the available evidence, the clinical significance of this variant remains unclear.

NM_002439.5(MSH3):c.286C>G (p.Pro96Ala)

Gene: MSH3 (mutS homolog 3; plus strand). Cytogenetic location: 5q14.1.
Variant type: single nucleotide variant.
Coding change: c.286C>G on transcript NM_002439.5 (MANE Select); coding-DNA position 286, C replaced by G.
Protein change: p.Pro96Ala; replaces proline 96 with alanine.
Molecular consequence: missense variant.
Genome position (GRCh38, 1-based): chr5:80,656,459, C>G. VCF-style: chr5-80656459-C-G. GRCh37 (hg19) VCF-style: chr5-79952278-C-G.
Other names: short protein forms P96A.
Identifiers: ClinVar variation 4111109 (VCV004111109.1).